The following is an entry in ClinVar:

ClinVar aggregate classification (germline): Uncertain significance (1 of 4 stars; one submission).

Conditions:
Charcot-Marie-Tooth disease axonal type 2Z. Also called: CHARCOT-MARIE-TOOTH DISEASE, AXONAL, AUTOSOMAL DOMINANT, TYPE 2Z; CHARCOT-MARIE-TOOTH NEUROPATHY, TYPE 2Z. Identifiers: Orphanet 466768, MedGen C5569025, MONDO:0014736, OMIM 616688.

Allele frequency attached by ClinVar (database versions not stated): gnomAD exomes below 0.00001; ExAC 0.00001.
gnomAD v4.1: 1 of 1,613,212 alleles (0.000062%); highest among the groups gnomAD compares: Non-Finnish European, 0.000085%; no homozygotes.

Submission:

Labcorp Genetics (formerly Invitae), Labcorp
Classification: Uncertain significance for Charcot-Marie-Tooth disease axonal type 2Z. Last evaluated: 2022-08-05. Review status: criteria provided, single submitter. Criteria: Invitae Variant Classification Sherloc (09022015). Collection method: clinical testing. Allele origin: germline.
Comment: ClinVar contains an entry for this variant (Variation ID: 1063182). Advanced modeling of protein sequence and biophysical properties (such as structural, functional, and spatial information, amino acid conservation, physicochemical variation, residue mobility, and thermodynamic stability) performed at Invitae indicates that this missense variant is expected to disrupt MORC2 protein function. In summary, the available evidence is currently insufficient to determine the role of this variant in disease. Therefore, it has been classified as a Variant of Uncertain Significance. This variant has not been reported in the literature in individuals affected with MORC2-related conditions. This sequence change replaces valine, which is neutral and non-polar, with methionine, which is neutral and non-polar, at codon 199 of the MORC2 protein (p.Val199Met). This variant is present in population databases (rs752850286, gnomAD 0.0009%).

NM_001303256.3(MORC2):c.595G>A (p.Val199Met)

Gene: MORC2 (MORC family CW-type zinc finger 2; minus strand). Cytogenetic location: 22q12.2.
Variant type: single nucleotide variant.
Coding change: c.595G>A on transcript NM_001303256.3 (MANE Select); coding-DNA position 595, G replaced by A.
Protein change: p.Val199Met; replaces valine 199 with methionine.
Molecular consequence: missense variant.
Genome position (GRCh38, 1-based): chr22:30,941,994, C>T on the plus strand (G>A on the coding strand, the complement: MORC2 is on the minus strand). VCF-style: chr22-30941994-C-T. GRCh37 (hg19) VCF-style: chr22-31337981-C-T.
Other names: c.595G>A, p.Val199Met (NM_001303257.2); c.409G>A, p.Val137Met (NM_014941.3); short protein forms V137M, V199M.
Identifiers: ClinVar variation 1063182 (VCV001063182.9), dbSNP rs752850286, ClinGen allele CA10187206.
Genomic context (GRCh38, chr22:30,941,994, plus strand): 5'-TTGAGATTATGTCTAGTTCTGGCTCTCCATTATCCATGAGTTTGAGATTGAAGATGATCA[C>T]CAATGTTCCTGAGAAACAGAAATCTTTTGTCCTGCCAGATCCCCCGGCCCACCCCCACAC-3'
Protein context (NP_001290185.1, residues 189-209): MKIPGDSGTL[Val199Met]IIFNLKLMDN